The following is an entry in ClinVar:

ClinVar aggregate classification (germline): Uncertain significance. Review status: criteria provided, multiple submitters, no conflicts (2 of 4 stars). 4 submissions from 4 submitters: Uncertain significance (4). Last evaluated 2024-03-24.

Conditions:
Familial thoracic aortic aneurysm and aortic dissection (TAAD). Also called: Thoracic aortic aneurysms and dissections. Identifiers: Orphanet 91387, MedGen C4707243, MONDO:0019625.
Hereditary cancer-predisposing syndrome. Also called: Neoplastic Syndromes, Hereditary; Hereditary neoplastic syndrome; Tumor predisposition; Hereditary Cancer Syndrome. Identifiers: Orphanet 140162, MedGen C0027672, MeSH D009386, MONDO:0015356.
Juvenile polyposis syndrome (JPS). Identifiers: Orphanet 2929, MedGen C0345893, MONDO:0017380, OMIM 174900.
Juvenile polyposis/hereditary hemorrhagic telangiectasia syndrome (JPHT). Also called: POLYPOSIS, GENERALIZED JUVENILE, WITH PULMONARY ARTERIOVENOUS MALFORMATION; TELANGIECTASIA, HEREDITARY HEMORRHAGIC, WITH JUVENILE POLYPOSIS COLI; Juvenile Polyposis Syndrome / Hereditary Hemorrhagic Telangiectasia (JPS/HHT); JP/HHT SYNDROME; JUVENILE POLYPOSIS WITH HEREDITARY HEMORRHAGIC TELANGIECTASIA. Identifiers: Orphanet 2929, MedGen C1832942, MONDO:0008278, OMIM 175050.

gnomAD v4.1: 4 of 1,614,042 alleles (0.00025%); highest among the groups gnomAD compares: Non-Finnish European, 0.00034%; no homozygotes.

Submissions (4):

All of Us Research Program, National Institutes of Health
Classification: Uncertain significance for Juvenile polyposis/hereditary hemorrhagic telangiectasia syndrome. Last evaluated: 2024-03-24. Review status: criteria provided, single submitter. Criteria: ACMG Guidelines, 2015. Collection method: clinical testing. Allele origin: germline. Inheritance: Autosomal dominant inheritance. Observed: 1 variant allele, 1 heterozygote.
Comment: This missense variant replaces alanine with valine at codon 212 of the SMAD4 protein. Computational prediction suggests that this variant may not impact protein structure and function (internally defined REVEL score threshold <= 0.5, PMID: 27666373). To our knowledge, functional studies have not been reported for this variant. This variant has not been reported in individuals affected with SMAD4-related disorders in the literature. This variant has not been identified in the general population by the Genome Aggregation Database (gnomAD). The available evidence is insufficient to determine the role of this variant in disease conclusively. Therefore, this variant is classified as a Variant of Uncertain Significance.

This study involves interpretation of variants in research participants for the purpose of population health screening. Participant phenotype was not available at the time of variant classification. Additional details can be found in publication PMID: 35346344, PMCID: PMC8962531

Baylor Genetics
Classification: Uncertain significance for Juvenile polyposis/hereditary hemorrhagic telangiectasia syndrome. Last evaluated: 2024-03-15. Review status: criteria provided, single submitter. Criteria: ACMG Guidelines, 2015. Collection method: clinical testing. Allele origin: unknown.

Ambry Genetics
Classification: Uncertain significance for Hereditary cancer-predisposing syndrome; Familial thoracic aortic aneurysm and aortic dissection. Last evaluated: 2022-10-04. Review status: criteria provided, single submitter. Criteria: Ambry Variant Classification Scheme 2023. Collection method: clinical testing. Allele origin: germline.
Comment: The p.A212V variant (also known as c.635C>T), located in coding exon 4 of the SMAD4 gene, results from a C to T substitution at nucleotide position 635. The alanine at codon 212 is replaced by valine, an amino acid with similar properties. This amino acid position is poorly conserved in available vertebrate species. In addition, this alteration is predicted to be tolerated by in silico analysis. Since supporting evidence is limited at this time, the clinical significance of this alteration remains unclear.

Labcorp Genetics (formerly Invitae), Labcorp
Classification: Uncertain significance for Juvenile polyposis syndrome. Last evaluated: 2019-08-10. Review status: criteria provided, single submitter. Criteria: Invitae Variant Classification Sherloc (09022015). Collection method: clinical testing. Allele origin: germline.
Comment: This sequence change replaces alanine with valine at codon 212 of the SMAD4 protein (p.Ala212Val). The alanine residue is weakly conserved and there is a small physicochemical difference between alanine and valine. This variant is not present in population databases (ExAC no frequency). This variant has not been reported in the literature in individuals with SMAD4-related conditions. Algorithms developed to predict the effect of missense changes on protein structure and function (SIFT, PolyPhen-2, Align-GVGD) all suggest that this variant is likely to be tolerated, but these predictions have not been confirmed by published functional studies and their clinical significance is uncertain. In summary, the available evidence is currently insufficient to determine the role of this variant in disease. Therefore, it has been classified as a Variant of Uncertain Significance.

NM_005359.6(SMAD4):c.635C>T (p.Ala212Val)

Gene: SMAD4 (SMAD family member 4; plus strand). Cytogenetic location: 18q21.2.
Variant type: single nucleotide variant.
Coding change: c.635C>T on transcript NM_005359.6 (MANE Select); coding-DNA position 635, C replaced by T.
Protein change: p.Ala212Val; replaces alanine 212 with valine.
Molecular consequence: missense variant.
Genome position (GRCh38, 1-based): chr18:51,054,961, C>T. VCF-style: chr18-51054961-C-T. GRCh37 (hg19) VCF-style: chr18-48581331-C-T.
Other names: short protein forms A212V.
Identifiers: ClinVar variation 934027 (VCV000934027.14), dbSNP rs1909801989, ClinGen allele CA402461246.